The following is an entry in ClinVar:

ClinVar aggregate classification (germline): Likely benign (1 of 4 stars; one submission).

Submission:

GeneDx
Classification: Likely benign. Last evaluated: 2017-04-06. Review status: criteria provided, single submitter. Criteria: GeneDx Variant Classification (06012015). Collection method: clinical testing. Allele origin: germline. Affected: yes.
Comment: This variant is considered likely benign or benign based on one or more of the following criteria: it is a conservative change, it occurs at a poorly conserved position in the protein, it is predicted to be benign by multiple in silico algorithms, and/or has population frequency not consistent with disease.

NM_001164508.2(NEB):c.15277C>T (p.Arg5093Cys)

Gene: NEB (nebulin; minus strand). Cytogenetic location: 2q23.3.
Variant type: single nucleotide variant.
Coding change: c.15277C>T on transcript NM_001164508.2 (MANE Select); coding-DNA position 15277, C replaced by T.
Protein change: p.Arg5093Cys; replaces arginine 5093 with cysteine.
Molecular consequence: missense variant. On other transcripts: intron variant (1).
Genome position (GRCh38, 1-based): chr2:151,587,547, G>A on the plus strand (C>T on the coding strand, the complement: NEB is on the minus strand). VCF-style: chr2-151587547-G-A. GRCh37 (hg19) VCF-style: chr2-152444061-G-A.
Other names: c.15277C>T, p.Arg5093Cys (NM_001164507.2, NM_001271208.2); c.11602-11193C>T (NM_004543.5); short protein forms R5093C.
Identifiers: ClinVar variation 508552 (VCV000508552.1), dbSNP rs1553847687, ClinGen allele CA348759932.